The following is an entry in ClinVar:

NM_006734.4(HIVEP2):c.4655del (p.Pro1552fs)

Gene: HIVEP2 (HIVEP zinc finger 2; minus strand). Cytogenetic location: 6q24.2.
Variant type: Deletion.
Coding change: c.4655del on transcript NM_006734.4 (MANE Select); coding-DNA position 4655, one base deleted (C; older notation c.4655delC).
Protein change: p.Pro1552fs; shifts the reading frame from proline 1552.
Molecular consequence: frameshift variant.
Genome position (GRCh38, 1-based): chr6:142,770,084, G deleted on the plus strand (C on the coding strand, the reverse complement: HIVEP2 is on the minus strand); the first of 2 consecutive G bases (chr6:142,770,084-142,770,085); deleting either gives the same sequence. VCF-style (leftmost placement, unchanged base first): chr6-142770083-CG-C. GRCh37 (hg19) VCF-style: chr6-143091220-CG-C.
Other names: short protein forms P1552fs.
Identifiers: ClinVar variation 2692475 (VCV002692475.1), dbSNP rs2482820753, ClinGen allele CA2697553767.

ClinVar aggregate classification (germline): Likely pathogenic (1 of 4 stars; one submission).

Conditions:
Intellectual developmental disorder, autosomal dominant 43. Also called: Intellectual disability, autosomal dominant 43. Identifiers: MedGen C4707429, MONDO:0014858, OMIM 616977.

Submission:

Greenwood Genetic Center Diagnostic Laboratories, Greenwood Genetic Center
Classification: Likely pathogenic for Intellectual developmental disorder, autosomal dominant 43. Last evaluated: 2023-11-22. Review status: criteria provided, single submitter. Criteria: ACMG Guidelines, 2015. Collection method: clinical testing. Allele origin: germline. Affected: yes.
Comment: PVS1, PM2